The following is an entry in ClinVar:

NM_006231.4(POLE):c.524A>G (p.Lys175Arg)

Gene: POLE (DNA polymerase epsilon, catalytic subunit; minus strand). Cytogenetic location: 12q24.33.
Variant type: single nucleotide variant.
Coding change: c.524A>G on transcript NM_006231.4 (MANE Select); coding-DNA position 524, A replaced by G.
Protein change: p.Lys175Arg; replaces lysine 175 with arginine.
Molecular consequence: missense variant.
Genome position (GRCh38, 1-based): chr12:132,679,551, T>C on the plus strand (A>G on the coding strand, the complement: POLE is on the minus strand). VCF-style: chr12-132679551-T-C. GRCh37 (hg19) VCF-style: chr12-133256137-T-C.
Other names: short protein forms K175R.
Identifiers: ClinVar variation 473718 (VCV000473718.11), dbSNP rs1555230082, ClinGen allele CA387367008.

ClinVar aggregate classification (germline): Uncertain significance. Review status: criteria provided, multiple submitters, no conflicts (2 of 4 stars). 2 submissions from 2 submitters: Uncertain significance (2). Last evaluated 2021-09-21.

Conditions:
Hereditary cancer-predisposing syndrome. Also called: Neoplastic Syndromes, Hereditary; Tumor predisposition; Hereditary Cancer Syndrome; Hereditary neoplastic syndrome. Identifiers: Orphanet 140162, MedGen C0027672, MeSH D009386, MONDO:0015356.

Allele frequency attached by ClinVar (database versions not stated): gnomAD exomes below 0.00001.
gnomAD v4.1: 3 of 1,614,112 alleles (0.00019%); highest among the groups gnomAD compares: Non-Finnish European, 0.00025%; no homozygotes.

Submissions (2):

Ambry Genetics
Classification: Uncertain significance for Hereditary cancer-predisposing syndrome. Last evaluated: 2021-09-21. Review status: criteria provided, single submitter. Criteria: Ambry Variant Classification Scheme 2023. Collection method: clinical testing. Allele origin: germline.
Comment: The p.K175R variant (also known as c.524A>G), located in coding exon 6 of the POLE gene, results from an A to G substitution at nucleotide position 524. The lysine at codon 175 is replaced by arginine, an amino acid with highly similar properties. This amino acid position is conserved. In addition, this alteration is predicted to be tolerated by in silico analysis. Since supporting evidence is limited at this time, the clinical significance of this alteration remains unclear.

Labcorp Genetics (formerly Invitae), Labcorp
Classification: Uncertain significance. Last evaluated: 2017-01-05. Review status: criteria provided, single submitter. Criteria: Invitae Variant Classification Sherloc (09022015). Collection method: clinical testing. Allele origin: germline.
Comment: In summary, this variant is a novel missense change that is not predicted to affect protein function. There is no indication that it causes disease, but the available evidence is currently insufficient to prove that conclusively. Therefore, it has been classified as a Variant of Uncertain Significance. Algorithms developed to predict the effect of missense changes on protein structure and function output the following: (SIFT: "Tolerated"; PolyPhen-2: "Benign"; Align-GVGD: "Class C0"). The arginine amino acid residue is found in multiple mammalian species, suggesting that this missense change does not adversely affect protein function. These predictions have not been confirmed by published functional studies. This variant is not present in population databases (ExAC no frequency) and has not been reported in the literature in individuals with a POLE-related disease. This sequence change replaces lysine with arginine at codon 175 of the POLE protein (p.Lys175Arg). The lysine residue is weakly conserved and there is a small physicochemical difference between lysine and arginine.